The following is an entry in ClinVar:

ClinVar aggregate classification (germline): Likely pathogenic. Review status: criteria provided, multiple submitters, no conflicts (2 of 4 stars). 3 submissions from 3 submitters: Likely pathogenic (3). Last evaluated 2024-12-16.

Conditions:
ELANE-related disorder. Also called: ELANE-related condition.

Submissions (3):

GeneDx
Classification: Likely pathogenic. Last evaluated: 2024-12-16. Review status: criteria provided, single submitter. Criteria: GeneDx Variant Classification Process June 2021. Collection method: clinical testing. Allele origin: germline. Affected: yes.
Comment: Not observed at significant frequency in large population cohorts (gnomAD); In silico analysis supports that this missense variant has a deleterious effect on protein structure/function; Also known as R74L; This variant is associated with the following publications: (PMID: 18043239, 36168923, 33560392, 17761833, 19775295, 23463630, 34340247, 30630937, 38286463)

3billion
Classification: Likely pathogenic for ELANE-related disorder. Last evaluated: 2024-06-26. Review status: criteria provided, single submitter. Criteria: ACMG Guidelines, 2015. Collection method: clinical testing. Allele origin: germline. Affected: yes.
Comment: The variant is not observed in the gnomAD v4.0.0 dataset. Predicted Consequence/Location: Missense variant In silico tool predictions suggest damaging effect of the variant on gene or gene product [3Cnet: 0.79 (>=0.6, sensitivity 0.72 and precision 0.9)]. The same nucleotide change resulting in the same amino acid change has been previously reported as pathogenic/likely pathogenic with strong evidence (ClinVar ID: VCV000418178 /PMID: 18043239). Different missense changes at the same codon (p.Arg103His, p.Arg103Pro) have been reported to be associated with ELANE related disorder (ClinVar ID: VCV000842953 /PMID: 19775295, 34340247). Therefore, this variant is classified as Likely pathogenic according to the recommendation of ACMG/AMP guideline.

PreventionGenetics, part of Exact Sciences
Classification: Likely pathogenic for ELANE-related condition. Last evaluated: 2023-04-27. Review status: criteria provided, single submitter. Criteria: ACMG Guidelines, 2015. Collection method: clinical testing. Allele origin: germline.
Comment: The ELANE c.308G>T variant is predicted to result in the amino acid substitution p.Arg103Leu. This variant was reported in multiple individuals with severe congenital neutropenia (Rotulo GA et al 2021. PubMed ID: 34340247, Table SI; Xia et al 2008. PubMed ID: 18043239, reported as R74L in Figure 1). A variant affecting the same amino acid residue was also reported in an individual with congenital neutropenia (Xia et al., 2009. PubMed ID: 19775295, reported as R74P in Figure 2). This variant has not been reported in a large population database, indicating this variant is rare. This variant has an interpretation of likely pathogenic in ClinVar. This variant is interpreted as likely pathogenic.

Literature cited by the submitters: PubMed 19775295 (cited by 3billion); PubMed 18043239 (cited by 3billion).

NM_001972.4(ELANE):c.308G>T (p.Arg103Leu)

Gene: ELANE (elastase, neutrophil expressed; plus strand). Cytogenetic location: 19p13.3.
Variant type: single nucleotide variant.
Coding change: c.308G>T on transcript NM_001972.4 (MANE Select); coding-DNA position 308, G replaced by T.
Protein change: p.Arg103Leu; replaces arginine 103 with leucine.
Molecular consequence: missense variant.
Genome position (GRCh38, 1-based): chr19:853,345, G>T. VCF-style: chr19-853345-G-T. GRCh37 (hg19) VCF-style: chr19-853345-G-T.
Other names: c.308G>T (NM_001972.3, LRG_57t1); short protein forms R103L.
Identifiers: ClinVar variation 418178 (VCV000418178.5), dbSNP rs745455816, ClinGen allele CA16620913.
Genomic context (GRCh38, chr19:853,345, plus strand): 5'-TCCTGGGAGCCCATAACCTCTCGCGGCGGGAGCCCACCCGGCAGGTGTTCGCCGTGCAGC[G>T]CATCTTCGAAAACGGCTACGACCCCGTAAACTTGCTCAACGACATCGTGATTCTCCAGGT-3'
Protein context (NP_001963.1, residues 93-113): EPTRQVFAVQ[Arg103Leu]IFENGYDPVN